The following is an entry in ClinVar:

NM_000051.4(ATM):c.6337A>C (p.Thr2113Pro)

Genes: ATM (ATM serine/threonine kinase; plus strand), C11orf65 (chromosome 11 open reading frame 65; minus strand). Cytogenetic location: 11q22.3.
Variant type: single nucleotide variant.
Coding change: c.6337A>C on transcript NM_000051.4 (MANE Select); coding-DNA position 6337, A replaced by C.
Protein change: p.Thr2113Pro; replaces threonine 2113 with proline.
Molecular consequence: missense variant. On other transcripts: intron variant (2).
Genome position (GRCh38, 1-based): chr11:108,317,511, A>C. VCF-style: chr11-108317511-A-C. GRCh37 (hg19) VCF-style: chr11-108188238-A-C.
Other names: c.6337A>C, p.Thr2113Pro (NM_001351834.2); c.641-8440T>G (NM_001330368.2); c.*39-8440T>G (NM_001351110.2); short protein forms T2113P.
Identifiers: ClinVar variation 2001886 (VCV002001886.4), dbSNP rs1555114835, ClinGen allele CA382552304.
Genomic context (GRCh38, chr11:108,317,511, plus strand): 5'-CCTGAACTAGAAGAACTTCATTACCAAGCAGCATGGAGGAATATGCAGTGGGACCATTGC[A>C]CTTCCGTCAGGTAAGAAATTTGACTTGATTTTTTTTTTTTTGCCTCTCTCCTCATTCTAA-3'
Protein context (NP_000042.3, residues 2103-2123): AWRNMQWDHC[Thr2113Pro]SVSKEVEGTS

ClinVar aggregate classification (germline): Uncertain significance (1 of 4 stars; one submission).

Conditions:
Ataxia-telangiectasia syndrome (AT). Also called: Ataxia-telangiectasia, complementation group D; AT, COMPLEMENTATION GROUP C; ATAXIA-TELANGIECTASIA, COMPLEMENTATION GROUP A; ATAXIA-TELANGIECTASIA, FRESNO VARIANT; Ataxia-telangiectasia, complementation group E; LOUIS-BAR SYNDROME. Identifiers: Orphanet 100, MedGen C0004135, MONDO:0008840, OMIM 208900.

Submission:

Labcorp Genetics (formerly Invitae), Labcorp
Classification: Uncertain significance for Ataxia-telangiectasia syndrome. Last evaluated: 2022-06-02. Review status: criteria provided, single submitter. Criteria: Invitae Variant Classification Sherloc (09022015). Collection method: clinical testing. Allele origin: germline.
Comment: In summary, the available evidence is currently insufficient to determine the role of this variant in disease. Therefore, it has been classified as a Variant of Uncertain Significance. Advanced modeling of protein sequence and biophysical properties (such as structural, functional, and spatial information, amino acid conservation, physicochemical variation, residue mobility, and thermodynamic stability) performed at Invitae indicates that this missense variant is not expected to disrupt ATM protein function. This variant has not been reported in the literature in individuals affected with ATM-related conditions. This variant is not present in population databases (gnomAD no frequency). This sequence change replaces threonine, which is neutral and polar, with proline, which is neutral and non-polar, at codon 2113 of the ATM protein (p.Thr2113Pro).